The following is an entry in ClinVar:

NM_000458.4(HNF1B):c.869T>A (p.Leu290Ter)

Gene: HNF1B (HNF1 homeobox B; minus strand). Cytogenetic location: 17q12.
Variant type: single nucleotide variant.
Coding change: c.869T>A on transcript NM_000458.4 (MANE Select); coding-DNA position 869, T replaced by A.
Protein change: p.Leu290Ter; replaces leucine 290 with a stop codon.
Molecular consequence: nonsense.
Genome position (GRCh38, 1-based): chr17:37,731,771, A>T on the plus strand (T>A on the coding strand, the complement: HNF1B is on the minus strand). VCF-style: chr17-37731771-A-T. GRCh37 (hg19) VCF-style: chr17-36091762-A-T.
Other names: c.791T>A, p.Leu264Ter (NM_001165923.4, NM_001304286.2); short protein forms L290*, L264*.
Identifiers: ClinVar variation 635632 (VCV000635632.1), dbSNP rs2511801834, ClinGen allele CA398746910.

ClinVar aggregate classification (germline): Pathogenic (1 of 4 stars; one submission).

Conditions:
Renal cysts and diabetes syndrome (RCAD). Also called: Familial hypoplastic, glomerulocystic kidney; MATURITY-ONSET DIABETES OF THE YOUNG, TYPE 5. Identifiers: Orphanet 93111, MedGen C0431693, MONDO:0007669, OMIM 137920.

Submission:

Institute of Human Genetics, FAU Erlangen, Friedrich-Alexander-Universität Erlangen-Nürnberg
Classification: Pathogenic for Renal cysts and diabetes syndrome. Last evaluated: 2019-07-06. Review status: criteria provided, single submitter. Criteria: ACMG Guidelines, 2015. Collection method: literature only. Allele origin: germline. Affected: yes.
Comment: This variant and it's classification has been reported by Vasileiou et al. 2019; DOI:10.1101/576918. The variants has previously been reported in PMID:28420700 as "c.869T>A,p.Leu290*" with clinical significance Pathogenic. It has been re-classified using InterVar and manual curation as Pathogenic based on PVS1 PM2 PP3.

Literature cited by the submitters: PubMed 28420700; DOI 10.1101/576918.